The following is an entry in ClinVar:

ClinVar aggregate classification (germline): Likely pathogenic (1 of 4 stars; one submission).

Conditions:
Gingival fibromatosis-hypertrichosis syndrome. Also called: HYPERTRICHOSIS, CONGENITAL GENERALIZED, 3, WITH OR WITHOUT GINGIVAL HYPERPLASIA. Identifiers: Orphanet 2026, MedGen C1851120, MONDO:0007610, OMIM 135400.

Submission:

First Genomix Gene Laboratory, Genetic Diagnostics Department
Classification: Likely pathogenic for Gingival fibromatosis-hypertrichosis syndrome. Last evaluated: 2025-06-02. Review status: criteria provided, single submitter. Criteria: ACMG Guidelines, 2015. Collection method: clinical testing. Allele origin: germline. Inheritance: Autosomal recessive inheritance. Affected: no. Observed: 1 variant allele.

NM_172232.4(ABCA5):c.977_978del (p.His326fs)

Gene: ABCA5 (ATP binding cassette subfamily A member 5; minus strand). Cytogenetic location: 17q24.3.
Variant type: Deletion.
Coding change: c.977_978del on transcript NM_172232.4 (MANE Select); coding-DNA positions 977 to 978, 2 bases deleted (AT; older notation c.977_978delAT).
Protein change: p.His326fs; shifts the reading frame from histidine 326.
Molecular consequence: frameshift variant.
Genome position (GRCh38, 1-based): chr17:69,302,859-69,302,860, AT deleted on the plus strand (AT on the coding strand, the reverse complement: ABCA5 is on the minus strand). VCF-style (leftmost placement, unchanged base first): chr17-69302858-CAT-C. GRCh37 (hg19) VCF-style: chr17-67298999-CAT-C.
Other names: c.977_978del, p.His326fs (NM_018672.5); c.977_978delAT (NM_018672.5); short protein forms H326fs.
Identifiers: ClinVar variation 4849432 (VCV004849432.1).